The following is an entry in ClinVar:

ClinVar aggregate classification (germline): Uncertain significance (1 of 4 stars; one submission).

Allele frequency attached by ClinVar (database versions not stated): ExAC 0.00001; gnomAD 0.00001; gnomAD exomes 0.00001; TOPMed 0.00001.
gnomAD v4.1: 19 of 1,614,056 alleles (0.0012%); highest among the groups gnomAD compares: Admixed American, 0.0033%; no homozygotes.

Submission:

Labcorp Genetics (formerly Invitae), Labcorp
Classification: Uncertain significance. Last evaluated: 2022-09-12. Review status: criteria provided, single submitter. Criteria: Invitae Variant Classification Sherloc (09022015). Collection method: clinical testing. Allele origin: germline.
Comment: This sequence change replaces isoleucine, which is neutral and non-polar, with serine, which is neutral and polar, at codon 876 of the CNGB1 protein (p.Ile876Ser). This variant is present in population databases (rs545540719, gnomAD 0.003%). This variant has not been reported in the literature in individuals affected with CNGB1-related conditions. Advanced modeling of protein sequence and biophysical properties (such as structural, functional, and spatial information, amino acid conservation, physicochemical variation, residue mobility, and thermodynamic stability) performed at Invitae indicates that this missense variant is expected to disrupt CNGB1 protein function. In summary, the available evidence is currently insufficient to determine the role of this variant in disease. Therefore, it has been classified as a Variant of Uncertain Significance.

NM_001297.5(CNGB1):c.2627T>G (p.Ile876Ser)

Gene: CNGB1 (cyclic nucleotide gated channel subunit beta 1; minus strand). Cytogenetic location: 16q21.
Variant type: single nucleotide variant.
Coding change: c.2627T>G on transcript NM_001297.5 (MANE Select); coding-DNA position 2627, T replaced by G.
Protein change: p.Ile876Ser; replaces isoleucine 876 with serine.
Molecular consequence: missense variant.
Genome position (GRCh38, 1-based): chr16:57,904,741, A>C on the plus strand (T>G on the coding strand, the complement: CNGB1 is on the minus strand). VCF-style: chr16-57904741-A-C. GRCh37 (hg19) VCF-style: chr16-57938645-A-C.
Other names: c.2609T>G, p.Ile870Ser (NM_001286130.2); short protein forms I876S, I870S.
Identifiers: ClinVar variation 1954182 (VCV001954182.2), dbSNP rs545540719, ClinGen allele CA8082912.